The following is an entry in ClinVar:

ClinVar aggregate classification (germline): Benign (1 of 4 stars; one submission).

Submission:

CeGaT Center for Human Genetics Tuebingen
Classification: Benign. Last evaluated: 2022-08-01. Review status: criteria provided, single submitter. Criteria: CeGaT Center For Human Genetics Tuebingen Variant Classification Criteria Version 2. Collection method: clinical testing. Allele origin: germline. Affected: yes. Observed: 1 variant allele.
Comment: KCNQ1OT1: BS1, BS2

NM_000218.3(KCNQ1):c.1514+669_1514+675del

Genes: KCNQ1 (potassium voltage-gated channel subfamily Q member 1; plus strand), KCNQ1OT1 (KCNQ1 opposite strand/antisense transcript 1; minus strand). Cytogenetic location: 11p15.5.
Variant type: Deletion.
Coding change: c.1514+669_1514+675del on transcript NM_000218.3 (MANE Select); bases 669 to 675 of the intron after coding-DNA position 1514, 7 bases deleted (GGCTGCT; older notation c.1514+669_1514+675delGGCTGCT).
Molecular consequence: intron variant. On other transcripts: non-coding transcript variant (1).
Genome position (GRCh38, 1-based): chr11:2,662,750-2,662,756, GGCTGCT deleted; deleting any 7 consecutive bases within chr11:2,662,748-2,662,756 gives the same sequence; the c. name uses the placement nearest the transcript's 3' end. VCF-style (leftmost placement, unchanged base first): chr11-2662747-TCTGGCTG-T. GRCh37 (hg19) VCF-style: chr11-2683977-TCTGGCTG-T.
Other names: c.1244+669_1244+675del (NM_001406837.1); c.1418+669_1418+675del (NM_001406836.1); c.974+669_974+675del (NM_001406838.1); c.1133+669_1133+675del (NM_181798.2).
Identifiers: ClinVar variation 2641449 (VCV002641449.24), dbSNP rs1217410321, ClinGen allele CA675037928.